The following is an entry in ClinVar:

NM_000038.6(APC):c.1592C>G (p.Ala531Gly)

Gene: APC (APC regulator of Wnt signaling pathway; plus strand). Cytogenetic location: 5q22.2.
Variant type: single nucleotide variant.
Coding change: c.1592C>G on transcript NM_000038.6 (MANE Select); coding-DNA position 1592, C replaced by G.
Protein change: p.Ala531Gly; replaces alanine 531 with glycine.
Molecular consequence: missense variant.
Genome position (GRCh38, 1-based): chr5:112,827,972, C>G. VCF-style: chr5-112827972-C-G. GRCh37 (hg19) VCF-style: chr5-112163669-C-G.
Other names: c.1592C>G (NM_000038.5); c.1592C>G, p.Ala531Gly (NM_001127510.3, NM_001354895.2); c.1538C>G, p.Ala513Gly (NM_001127511.3); c.1646C>G, p.Ala549Gly (NM_001354896.2); c.1622C>G, p.Ala541Gly (NM_001354897.2); c.1517C>G, p.Ala506Gly (NM_001354898.2); c.1508C>G, p.Ala503Gly (NM_001354899.2); c.1469C>G, p.Ala490Gly (NM_001354900.2); and 6 more; short protein forms A248G, A371G, A405G, A430G, A440G, A472G, A490G, A503G.
Identifiers: ClinVar variation 1049945 (VCV001049945.8), dbSNP rs755879124, ClinGen allele CA028572.

ClinVar aggregate classification (germline): Uncertain significance. Review status: criteria provided, multiple submitters, no conflicts (2 of 4 stars). 3 submissions from 3 submitters: Uncertain significance (2). 1 of the submissions does not count toward it. Last evaluated 2024-07-26.

Conditions:
Familial adenomatous polyposis 1 (FAP1). Also called: FAMILIAL ADENOMATOUS POLYPOSIS 1, ATTENUATED; POLYPOSIS, ADENOMATOUS INTESTINAL. Identifiers: MedGen C2713442, MONDO:0021056, OMIM 175100. Disease mechanism: loss of function.
Carcinoma of colon (CRC). Also called: Colonic carcinoma; Colon carcinoma. Identifiers: MedGen C0699790, MONDO:0002032.
Hereditary cancer-predisposing syndrome. Also called: Hereditary Cancer Syndrome; Hereditary neoplastic syndrome; Tumor predisposition; Neoplastic Syndromes, Hereditary. Identifiers: Orphanet 140162, MedGen C0027672, MeSH D009386, MONDO:0015356.

Allele frequency attached by ClinVar (database versions not stated): gnomAD exomes below 0.00001; ExAC 0.00001.
gnomAD v4.1: 3 of 1,613,142 alleles (0.00019%); highest among the groups gnomAD compares: South Asian, 0.0033%; no homozygotes.

Submissions (3):

Ambry Genetics
Classification: Uncertain significance for Hereditary cancer-predisposing syndrome. Last evaluated: 2024-07-26. Review status: criteria provided, single submitter. Criteria: Ambry Variant Classification Scheme 2023. Collection method: clinical testing. Allele origin: germline.
Comment: The p.A531G variant (also known as c.1592C>G), located in coding exon 12 of the APC gene, results from a C to G substitution at nucleotide position 1592. The alanine at codon 531 is replaced by glycine, an amino acid with similar properties. This amino acid position is conserved. In addition, in silico predictors for this gene do not accurately predict pathogenicity. Based on the available evidence, the clinical significance of this variant remains unclear.

Labcorp Genetics (formerly Invitae), Labcorp
Classification: Uncertain significance for Familial adenomatous polyposis 1. Last evaluated: 2021-11-30. Review status: criteria provided, single submitter. Criteria: Invitae Variant Classification Sherloc (09022015). Collection method: clinical testing. Allele origin: germline.
Comment: In summary, the available evidence is currently insufficient to determine the role of this variant in disease. Therefore, it has been classified as a Variant of Uncertain Significance. Algorithms developed to predict the effect of missense changes on protein structure and function are either unavailable or do not agree on the potential impact of this missense change (SIFT: "Deleterious"; PolyPhen-2: "Benign"; Align-GVGD: "Class C55"). ClinVar contains an entry for this variant (Variation ID: 1049945). This variant has not been reported in the literature in individuals affected with APC-related conditions. This variant is present in population databases (rs755879124, gnomAD 0.003%). This sequence change replaces alanine, which is neutral and non-polar, with glycine, which is neutral and non-polar, at codon 531 of the APC protein (p.Ala531Gly).

Department of Pathology and Laboratory Medicine, Sinai Health System
Classification: Uncertain significance for Carcinoma of colon. Review status: no assertion criteria provided. Collection method: clinical testing. Allele origin: unknown. Affected: yes. Study: The Canadian Open Genetics Repository (COGR). Not counted in ClinVar's aggregate classification.
Comment: The APC p.Ala531Gly variant was not identified in the literature, nor was it identified in the 1000 Genomes Project, the NHLBI Exome Sequencing Project, GeneInsight COGR, ClinVar, Clinvitae, COSMIC, MutDB, UMD, InSiGHT Colon Cancer Gene Variant Database (LOVD), or the Zhejiang Colon Cancer Database (LOVD). The variant was identified in dbSNP (ID: rs755879124) as â€šÃ„ÃºN/Aâ€šÃ„Ã¹, the Exome Aggregation Consortium (August 8th, 2016) in 1 of 120770 chromosomes (8.25x10-6), and the genome Aggregation Database (February 27th, 2017) in 1 of 251714 chromosomes (freq. 0.000004). The p.Ala531 residue is conserved across mammals and other organisms, and four out of four computational analyses (PolyPhen-2, SIFT, AlignGVGD, MutationTaster) suggest that the variant may impact the protein; however, this information is not predictive enough to assume pathogenicity. The variant occurs outside of the splicing consensus sequence and 1 of 5 in silico or computational prediction software programs (SpliceSiteFinder, MaxEntScan, NNSPLICE, GeneSplicer, HumanSpliceFinder) predict a greater than 10% difference in splicing; this is not very predictive of pathogenicity. It should be noted that another variant at the same position (c.1592C>T, p.Ala531Val) has been reported in COSMIC database identified in a carcinoma of the large intestine with pathogenic classification. In addition the variant is located within a functional domain of the protein, an Armadillo domain, increasing the likelihood that it may have clinical significance. In summary, based on the above information, the clinical significance of this variant cannot be determined with certainty at this time. This variant is classified as a variant of uncertain significance.